The following is an entry in ClinVar:

ClinVar aggregate classification (germline): Uncertain significance (1 of 4 stars; one submission).

Conditions:
Tuberous sclerosis 1 (TSC1). Identifiers: Orphanet 805, MedGen C1854465, MONDO:0008612, OMIM 191100.

Submission:

Labcorp Genetics (formerly Invitae), Labcorp
Classification: Uncertain significance for Tuberous sclerosis 1. Last evaluated: 2021-12-31. Review status: criteria provided, single submitter. Criteria: Invitae Variant Classification Sherloc (09022015). Collection method: clinical testing. Allele origin: germline.
Comment: This variant results in a copy number gain of the genomic region encompassing exon(s) 1-8 of the TSC1 gene. This region includes the initiator codon of the gene. This copy number gain extends beyond the assayed region for this gene and therefore may encompass additional genes. As the precise location of this event is unknown, it may be in tandem or it may be located elsewhere in the genome. This variant has not been reported in the literature in individuals affected with TSC1-related conditions. Experimental studies and prediction algorithms are not available or were not evaluated, and the functional significance of this variant is currently unknown. In summary, the available evidence is currently insufficient to determine the role of this variant in disease. Therefore, it has been classified as a Variant of Uncertain Significance.

NC_000009.11:g.(?_135796740)_(135820530_?)dup

Gene: TSC1 (TSC complex subunit 1; minus strand). Cytogenetic location: 9q34.13.
Variant type: Duplication.
Identifiers: ClinVar variation 1510636 (VCV001510636.4).